The following is an entry in ClinVar:

NM_178452.6(DNAAF1):c.546C>G (p.Asn182Lys)

Gene: DNAAF1 (dynein axonemal assembly factor 1; plus strand). Cytogenetic location: 16q24.1.
Variant type: single nucleotide variant.
Coding change: c.546C>G on transcript NM_178452.6 (MANE Select); coding-DNA position 546, C replaced by G.
Protein change: p.Asn182Lys; replaces asparagine 182 with lysine.
Molecular consequence: missense variant.
Genome position (GRCh38, 1-based): chr16:84,154,770, C>G. VCF-style: chr16-84154770-C-G. GRCh37 (hg19) VCF-style: chr16-84188375-C-G.
Other names: short protein forms N182K.
Identifiers: ClinVar variation 166997 (VCV000166997.44), dbSNP rs144018942, ClinGen allele CA233904.
Genomic context (GRCh38, chr16:84,154,770, plus strand): 5'-GCTCCGTAAAATTGAGAACCTGGAACCTCTGCAGAAACTGGATGCTCTTAACCTCAGCAA[C>G]AATTACATCAAGACCATTGAAAACCTCTGTAAGGGTACCCAGCAAGCAGTGTGTCTGTTT-3'
Protein context (NP_848547.4, residues 172-192): LQKLDALNLS[Asn182Lys]NYIKTIENLS

ClinVar aggregate classification (germline): Conflicting classifications of pathogenicity. Review status: criteria provided, conflicting classifications (1 of 4 stars). 11 submissions from 11 submitters: Uncertain significance (4); Benign (1); Likely benign (4). 2 of the submissions do not count toward it. Last evaluated 2026-01-27.

Conditions:
Primary ciliary dyskinesia. Also called: Ciliary dyskinesia. Identifiers: Orphanet 244, MedGen C0008780, MONDO:0016575, HP:0012265.
Primary ciliary dyskinesia 13. Also called: CILIARY DYSKINESIA, PRIMARY, 13, WITH OR WITHOUT SITUS INVERSUS. Identifiers: Orphanet 244, MedGen C2750790, MONDO:0013174, OMIM 613193.

Allele frequency attached by ClinVar (database versions not stated): 1000 Genomes Project 0.00100; 1000 Genomes Project 30x 0.00109; ESP Exome Variant Server 0.00231; gnomAD 0.00080.
gnomAD v4.1: 3,160 of 1,614,120 alleles (0.2%); highest among the groups gnomAD compares: Non-Finnish European, 0.24%; 6 homozygotes.

Submissions (11):

Labcorp Genetics (formerly Invitae), Labcorp
Classification: Likely benign for Primary ciliary dyskinesia. Last evaluated: 2026-01-27. Review status: criteria provided, single submitter. Criteria: Invitae Variant Classification Sherloc (09022015). Collection method: clinical testing. Allele origin: germline.

CeGaT Center for Human Genetics Tuebingen
Classification: Likely benign. Last evaluated: 2025-11-01. Review status: criteria provided, single submitter. Criteria: CeGaT Center For Human Genetics Tuebingen Variant Classification Criteria Version 2. Collection method: clinical testing. Allele origin: germline. Affected: yes. Observed: 2 variant alleles.
Comment: DNAAF1: BS2

Mayo Clinic Laboratories, Mayo Clinic
Classification: Likely benign. Last evaluated: 2025-01-29. Review status: criteria provided, single submitter. Criteria: ACMG Guidelines, 2015. Collection method: clinical testing. Allele origin: germline. Observed: 2 variant alleles.
Comment: BS2_supporting, BP4

Blueprint Genetics
Classification: Likely benign. Last evaluated: 2024-11-13. Review status: criteria provided, single submitter. Criteria: ACMG Guidelines, 2015. Collection method: clinical testing. Allele origin: germline.

ARUP Laboratories, Molecular Genetics and Genomics, ARUP Laboratories
Classification: Uncertain significance for Primary ciliary dyskinesia 13. Last evaluated: 2024-09-09. Review status: criteria provided, single submitter. Criteria: ARUP Molecular Germline Variant Investigation Process 2024. Collection method: clinical testing. Allele origin: germline.
Comment: The DNAAF1 c.546C>G; p.Asn182Lys variant (rs144018942), to our knowledge, is not reported in the medical literature but is reported in ClinVar (Variation ID: 166997). This variant is found in the general population with an overall allele frequency of 0.1% (370/282,876 alleles) in the Genome Aggregation Database (v2.1.1). Computational analyses are uncertain whether this variant is neutral or deleterious (REVEL: 0.193). While the high population frequency suggests that this is likely a benign variant, given the lack of clinical and functional data, the significance of this variant is uncertain at this time.

Illumina Laboratory Services, Illumina
Classification: Uncertain significance for Primary ciliary dyskinesia 13. Last evaluated: 2018-01-13. Review status: criteria provided, single submitter. Criteria: ICSL Variant Classification Criteria 13 December 2019. Collection method: clinical testing. Allele origin: germline.

UNC Molecular Genetics  Laboratory, University of North Carolina at Chapel Hill
Classification: Uncertain significance for Primary ciliary dyskinesia. Last evaluated: 2018-01-04. Review status: criteria provided, single submitter. Criteria: ACMG Guidelines, 2015. Collection method: clinical testing. Allele origin: germline. Observed: 1 heterozygote.

Ambry Genetics
Classification: Benign for Primary ciliary dyskinesia. Last evaluated: 2016-09-15. Review status: criteria provided, single submitter. Criteria: Ambry Variant Classification Scheme 2023. Collection method: clinical testing. Allele origin: germline.

Eurofins Ntd Llc (ga)
Classification: Uncertain significance. Last evaluated: 2014-04-17. Review status: criteria provided, single submitter. Criteria: EGL Classification Definitions 2015. Collection method: clinical testing. Allele origin: germline. Observed: 3 variant alleles, 3 heterozygotes.

Clinical Genetics DNA and cytogenetics Diagnostics Lab, Erasmus MC, Erasmus Medical Center
Classification: Uncertain significance. Review status: no assertion criteria provided. Collection method: clinical testing. Allele origin: germline. Affected: yes. Study: VKGL Data-share Consensus. Not counted in ClinVar's aggregate classification.

Diagnostic Laboratory, Department of Genetics, University Medical Center Groningen
Classification: Uncertain significance. Review status: no assertion criteria provided. Collection method: clinical testing. Allele origin: germline. Affected: yes. Study: VKGL Data-share Consensus. Not counted in ClinVar's aggregate classification.